The following is an entry in ClinVar:

ClinVar aggregate classification (germline): Uncertain significance (1 of 4 stars; one submission).

Conditions:
Neuronal ceroid lipofuscinosis 11. Also called: GRN-Related Neuronal Ceroid-Lipofuscinosis. Identifiers: Orphanet 314629, Orphanet 79262, MedGen C3539123, MONDO:0013866, OMIM 614706.
GRN-related frontotemporal lobar degeneration with Tdp43 inclusions (FTD2). Also called: DEMENTIA, HEREDITARY DYSPHASIC DISINHIBITION; FRONTOTEMPORAL LOBAR DEGENERATION WITH UBIQUITIN-POSITIVE INCLUSIONS; FTLD-TDP, GRN-RELATED; GRN Frontotemporal Dementia; FRONTOTEMPORAL DEMENTIA WITH TDP43 INCLUSIONS, GRN-RELATED. Identifiers: Orphanet 100070, Orphanet 282, MedGen C1843792, MONDO:0011842, OMIM 607485. Disease mechanism: loss of function.

Allele frequency attached by ClinVar (database versions not stated): gnomAD exomes below 0.00001; gnomAD 0.00001; TOPMed 0.00001.
gnomAD v4.1: 3 of 1,613,786 alleles (0.00019%); highest among the groups gnomAD compares: Non-Finnish European, 0.00025%; no homozygotes.

Submission:

Labcorp Genetics (formerly Invitae), Labcorp
Classification: Uncertain significance for Neuronal ceroid lipofuscinosis 11; GRN-related frontotemporal lobar degeneration with Tdp43 inclusions. Last evaluated: 2024-11-27. Review status: criteria provided, single submitter. Criteria: Invitae Variant Classification Sherloc (09022015). Collection method: clinical testing. Allele origin: germline.
Comment: This sequence change replaces asparagine, which is neutral and polar, with lysine, which is basic and polar, at codon 197 of the GRN protein (p.Asn197Lys). This variant is not present in population databases (gnomAD no frequency). This variant has not been reported in the literature in individuals affected with GRN-related conditions. ClinVar contains an entry for this variant (Variation ID: 2163574). Invitae Evidence Modeling of protein sequence and biophysical properties (such as structural, functional, and spatial information, amino acid conservation, physicochemical variation, residue mobility, and thermodynamic stability) indicates that this missense variant is not expected to disrupt GRN protein function with a negative predictive value of 80%. In summary, the available evidence is currently insufficient to determine the role of this variant in disease. Therefore, it has been classified as a Variant of Uncertain Significance.

NM_002087.4(GRN):c.591C>G (p.Asn197Lys)

Gene: GRN (granulin precursor; plus strand). Cytogenetic location: 17q21.31.
Variant type: single nucleotide variant.
Coding change: c.591C>G on transcript NM_002087.4 (MANE Select); coding-DNA position 591, C replaced by G.
Protein change: p.Asn197Lys; replaces asparagine 197 with lysine.
Molecular consequence: missense variant.
Genome position (GRCh38, 1-based): chr17:44,350,570, C>G. VCF-style: chr17-44350570-C-G. GRCh37 (hg19) VCF-style: chr17-42427938-C-G.
Other names: short protein forms N197K.
Identifiers: ClinVar variation 2163574 (VCV002163574.4), dbSNP rs1446542034, ClinGen allele CA399763990.